The following is an entry in ClinVar:

ClinVar aggregate classification (germline): Uncertain significance (1 of 4 stars; one submission).

Conditions:
Dilated cardiomyopathy 1W (CMD1W). Identifiers: Orphanet 154, MedGen C1969639, MONDO:0012667, OMIM 611407.

Submission:

Labcorp Genetics (formerly Invitae), Labcorp
Classification: Uncertain significance for Dilated cardiomyopathy 1W. Last evaluated: 2022-11-15. Review status: criteria provided, single submitter. Criteria: Invitae Variant Classification Sherloc (09022015). Collection method: clinical testing. Allele origin: germline.
Comment: In summary, the available evidence is currently insufficient to determine the role of this variant in disease. Therefore, it has been classified as a Variant of Uncertain Significance. Algorithms developed to predict the effect of missense changes on protein structure and function are either unavailable or do not agree on the potential impact of this missense change (SIFT: "Not Available"; PolyPhen-2: "Probably Damaging"; Align-GVGD: "Not Available"). This variant has not been reported in the literature in individuals affected with VCL-related conditions. This variant is not present in population databases (gnomAD no frequency). This sequence change replaces glutamic acid, which is acidic and polar, with alanine, which is neutral and non-polar, at codon 770 of the VCL protein (p.Glu770Ala).

NM_014000.3(VCL):c.2309A>C (p.Glu770Ala)

Gene: VCL (vinculin; plus strand). Cytogenetic location: 10q22.2.
Variant type: single nucleotide variant.
Coding change: c.2309A>C on transcript NM_014000.3 (MANE Select); coding-DNA position 2309, A replaced by C.
Protein change: p.Glu770Ala; replaces glutamic acid 770 with alanine.
Molecular consequence: missense variant.
Genome position (GRCh38, 1-based): chr10:74,105,228, A>C. VCF-style: chr10-74105228-A-C. GRCh37 (hg19) VCF-style: chr10-75864986-A-C.
Other names: c.2309A>C, p.Glu770Ala (NM_003373.4); short protein forms E770A.
Identifiers: ClinVar variation 1715898 (VCV001715898.5), dbSNP rs2549232213, ClinGen allele CA377262448.